The following is an entry in ClinVar:

NM_001042492.3(NF1):c.3100G>T (p.Glu1034Ter)

Gene: NF1 (neurofibromin 1; plus strand). Cytogenetic location: 17q11.2.
Variant type: single nucleotide variant.
Coding change: c.3100G>T on transcript NM_001042492.3 (MANE Select); coding-DNA position 3100, G replaced by T.
Protein change: p.Glu1034Ter; replaces glutamic acid 1034 with a stop codon.
Molecular consequence: nonsense.
Genome position (GRCh38, 1-based): chr17:31,230,369, G>T. VCF-style: chr17-31230369-G-T. GRCh37 (hg19) VCF-style: chr17-29557387-G-T.
Other names: c.3100G>T, p.Glu1034Ter (NM_000267.4); short protein forms E1034*.
Identifiers: ClinVar variation 4719022 (VCV004719022.1).

ClinVar aggregate classification (germline): Pathogenic (1 of 4 stars; one submission).

Conditions:
Neurofibromatosis, type 1 (NF1). Also called: NEUROFIBROMATOSIS, TYPE I, SOMATIC; VON RECKLINGHAUSEN DISEASE; Peripheral type neurofibromatosis; Neurofibromatosis, type I. Identifiers: Orphanet 636, MedGen C0027831, MONDO:0018975, OMIM 162200. Disease mechanism: loss of function.

Submission:

Labcorp Genetics (formerly Invitae), Labcorp
Classification: Pathogenic for Neurofibromatosis, type 1. Last evaluated: 2025-05-19. Review status: criteria provided, single submitter. Criteria: Invitae Variant Classification Sherloc (09022015). Collection method: clinical testing. Allele origin: germline.
Comment: This sequence change creates a premature translational stop signal (p.Glu1034*) in the NF1 gene. It is expected to result in an absent or disrupted protein product. Loss-of-function variants in NF1 are known to be pathogenic (PMID: 10712197, 23913538). This variant is not present in population databases (gnomAD no frequency). This variant has not been reported in the literature in individuals affected with NF1-related conditions. For these reasons, this variant has been classified as Pathogenic.

Literature cited by the submitters: PubMed 10712197; PubMed 23913538.